The following is an entry in ClinVar:

NM_002519.3(NPAT):c.3676G>A (p.Ala1226Thr)

Gene: NPAT (nuclear protein, coactivator of histone transcription; minus strand). Cytogenetic location: 11q22.3.
Variant type: single nucleotide variant.
Coding change: c.3676G>A on transcript NM_002519.3 (MANE Select); coding-DNA position 3676, G replaced by A.
Protein change: p.Ala1226Thr; replaces alanine 1226 with threonine.
Molecular consequence: missense variant.
Genome position (GRCh38, 1-based): chr11:108,161,410, C>T on the plus strand (G>A on the coding strand, the complement: NPAT is on the minus strand). VCF-style: chr11-108161410-C-T. GRCh37 (hg19) VCF-style: chr11-108032137-C-T.
Other names: c.3697G>A, p.Ala1233Thr (NM_001321307.1); short protein forms A1226T, A1233T.
Identifiers: ClinVar variation 1733836 (VCV001733836.2), dbSNP rs2496695090, ClinGen allele CA382510294.

ClinVar aggregate classification (germline): Uncertain significance (1 of 4 stars; one submission).

Submission:

Ambry Genetics
Classification: Uncertain significance. Last evaluated: 2022-01-18. Review status: criteria provided, single submitter. Criteria: Ambry Variant Classification Scheme 2023. Collection method: clinical testing. Allele origin: germline.
Comment: The p.A1226T variant (also known as c.3676G>A), located in coding exon 17 of the NPAT gene, results from a G to A substitution at nucleotide position 3676. The alanine at codon 1226 is replaced by threonine, an amino acid with similar properties. This amino acid position is conserved. In addition, this alteration is predicted to be tolerated by in silico analysis. Since supporting evidence is limited at this time, the clinical significance of this alteration remains unclear.